The following is an entry in ClinVar:

NM_003052.5(SLC34A1):c.1720_1721del (p.Gln574fs)

Gene: SLC34A1 (solute carrier family 34 member 1; plus strand). Cytogenetic location: 5q35.3.
Variant type: Deletion.
Coding change: c.1720_1721del on transcript NM_003052.5 (MANE Select); coding-DNA positions 1720 to 1721, 2 bases deleted (CA; older notation c.1720_1721delCA).
Protein change: p.Gln574fs; shifts the reading frame from glutamine 574.
Molecular consequence: frameshift variant.
Genome position (GRCh38, 1-based): chr5:177,398,086-177,398,087, CA deleted; deleting any 2 consecutive bases within chr5:177,398,085-177,398,087 gives the same sequence; the c. name uses the placement nearest the transcript's 3' end. VCF-style (leftmost placement, unchanged base first): chr5-177398084-TAC-T. GRCh37 (hg19) VCF-style: chr5-176825085-TAC-T.
Other names: short protein forms Q574fs.
Identifiers: ClinVar variation 2101996 (VCV002101996.1), dbSNP rs779450299, ClinGen allele CA3580870.

ClinVar aggregate classification (germline): Uncertain significance (1 of 4 stars; one submission).

Submission:

Labcorp Genetics (formerly Invitae), Labcorp
Classification: Uncertain significance. Last evaluated: 2022-04-29. Review status: criteria provided, single submitter. Criteria: Invitae Variant Classification Sherloc (09022015). Collection method: clinical testing. Allele origin: germline.
Comment: This sequence change creates a premature translational stop signal (p.Gln574Aspfs*30) in the SLC34A1 gene. While this is not anticipated to result in nonsense mediated decay, it is expected to disrupt the last 66 amino acid(s) of the SLC34A1 protein. This variant is present in population databases (rs779450299, gnomAD 0.003%). This variant has not been reported in the literature in individuals affected with SLC34A1-related conditions. This variant disrupts a region of the SLC34A1 protein in which other variant(s) (p.Thr575Ile) have been observed in individuals with SLC34A1-related conditions (PMID: 28893421). This suggests that this is a clinically significant region of the protein, and that variants that disrupt it are likely to be disease-causing. In summary, the available evidence is currently insufficient to determine the role of this variant in disease. Therefore, it has been classified as a Variant of Uncertain Significance.

Literature cited by the submitters: PubMed 28893421.